The following is an entry in ClinVar:

NM_001111125.3(IQSEC2):c.943dup (p.Arg315fs)

Gene: IQSEC2 (IQ motif and Sec7 domain ArfGEF 2; minus strand). Cytogenetic location: Xp11.22.
Variant type: Duplication.
Coding change: c.943dup on transcript NM_001111125.3 (MANE Select); coding-DNA position 943, one base duplicated (C; older notation c.943dupC).
Protein change: p.Arg315fs; shifts the reading frame from arginine 315.
Molecular consequence: frameshift variant.
Genome position (GRCh38, 1-based): chrX:53,255,856, G duplicated on the plus strand (C on the coding strand, the reverse complement: IQSEC2 is on the minus strand). VCF-style (leftmost placement, unchanged base first): chrX-53255855-C-CG. GRCh37 (hg19) VCF-style: chrX-53285037-C-CG.
Other names: c.328dup, p.Arg110fs (NM_015075.2); short protein forms R110fs, R315fs.
Identifiers: ClinVar variation 1701754 (VCV001701754.1), dbSNP rs2147127449, ClinGen allele CA2580101223.

ClinVar aggregate classification (germline): Likely pathogenic (1 of 4 stars; one submission).

Conditions:
Intellectual developmental disorder, X-linked 1. Also called: MENTAL RETARDATION, X-LINKED 18; MENTAL RETARDATION, X-LINKED 78; Intellectual disability, X-linked 1; Atkin Flaitz Patil Smith syndrome. Identifiers: Orphanet 777, MedGen C2931498, MONDO:0010656, OMIM 309530.

Submission:

New York Genome Center
Classification: Likely pathogenic for Intellectual developmental disorder, X-linked 1. Last evaluated: 2021-08-27. Review status: criteria provided, single submitter. Criteria: NYGC Assertion Criteria 2020. Collection method: clinical testing. Allele origin: de novo. Affected: yes. Observed: 1 heterozygote. Study: CSER-NYCKidSeq.
Comment: The de novo c.943dup (p.Arg315ProfsTer10) variant identified in the IQSEC2 gene is the duplication of a single nucleotide that results in a frameshift of the protein at amino acid 315/1489 (exon 3/15). This is predicted to lead to a premature termination of the protein approximately 10 amino acids downstream. This variant is absent from gnomAD(v3.1.1) suggesting it is not a common benign variant in the populations represented in that database. It is absent from ClinVar and to our current knowledge has not been reported in affected individuals in the literature, although nonsense and frameshift variants downstream of the one identified here have been reported [PMID:33368194, 33494955]. Given its presence de novo in the proband, its deleterious nature and absence in population databases, the c.943dup (p.Arg315ProfsTer10) variant identified in the IQSEC2 gene is reported as Likely Pathogenic.